The following is an entry in ClinVar:

NM_021803.4(IL21):c.282G>T (p.Arg94Ser)

Gene: IL21 (interleukin 21; minus strand). Cytogenetic location: 4q27.
Variant type: single nucleotide variant.
Coding change: c.282G>T on transcript NM_021803.4 (MANE Select); coding-DNA position 282, G replaced by T.
Protein change: p.Arg94Ser; replaces arginine 94 with serine.
Molecular consequence: missense variant.
Genome position (GRCh38, 1-based): chr4:122,615,760, C>A on the plus strand (G>T on the coding strand, the complement: IL21 is on the minus strand). VCF-style: chr4-122615760-C-A. GRCh37 (hg19) VCF-style: chr4-123536915-C-A.
Other names: c.282G>T, p.Arg94Ser (NM_001207006.3); short protein forms R94S.
Identifiers: ClinVar variation 961581 (VCV000961581.5), dbSNP rs776217510, ClinGen allele CA3069136.

ClinVar aggregate classification (germline): Uncertain significance (1 of 4 stars; one submission).

Allele frequency attached by ClinVar (database versions not stated): TOPMed below 0.00001; ExAC 0.00001; gnomAD 0.00001.

Submission:

Labcorp Genetics (formerly Invitae), Labcorp
Classification: Uncertain significance. Last evaluated: 2022-08-29. Review status: criteria provided, single submitter. Criteria: Invitae Variant Classification Sherloc (09022015). Collection method: clinical testing. Allele origin: germline.
Comment: This variant is present in population databases (rs776217510, gnomAD 0.0009%). This sequence change replaces arginine, which is basic and polar, with serine, which is neutral and polar, at codon 94 of the IL21 protein (p.Arg94Ser). This variant has not been reported in the literature in individuals affected with IL21-related conditions. In summary, the available evidence is currently insufficient to determine the role of this variant in disease. Therefore, it has been classified as a Variant of Uncertain Significance. Algorithms developed to predict the effect of missense changes on protein structure and function (SIFT, PolyPhen-2, Align-GVGD) all suggest that this variant is likely to be tolerated. ClinVar contains an entry for this variant (Variation ID: 961581).